The following is an entry in ClinVar:

ClinVar aggregate classification (germline): Uncertain significance (1 of 4 stars; one submission).

Allele frequency attached by ClinVar (database versions not stated): gnomAD exomes below 0.00001.

Submission:

Labcorp Genetics (formerly Invitae), Labcorp
Classification: Uncertain significance. Last evaluated: 2025-03-17. Review status: criteria provided, single submitter. Criteria: Invitae Variant Classification Sherloc (09022015). Collection method: clinical testing. Allele origin: germline.
Comment: This sequence change replaces proline, which is neutral and non-polar, with serine, which is neutral and polar, at codon 311 of the WHRN protein (p.Pro311Ser). This variant is not present in population databases (gnomAD no frequency). This variant has not been reported in the literature in individuals affected with WHRN-related conditions. ClinVar contains an entry for this variant (Variation ID: 1474954). An algorithm developed to predict the effect of missense changes on protein structure and function (PolyPhen-2) suggests that this variant is likely to be tolerated. In summary, the available evidence is currently insufficient to determine the role of this variant in disease. Therefore, it has been classified as a Variant of Uncertain Significance.

NM_015404.4(WHRN):c.931C>T (p.Pro311Ser)

Gene: WHRN (whirlin; minus strand). Cytogenetic location: 9q32.
Variant type: single nucleotide variant.
Coding change: c.931C>T on transcript NM_015404.4 (MANE Select); coding-DNA position 931, C replaced by T.
Protein change: p.Pro311Ser; replaces proline 311 with serine.
Molecular consequence: missense variant. On other transcripts: 5 prime UTR variant (1).
Genome position (GRCh38, 1-based): chr9:114,466,299, G>A on the plus strand (C>T on the coding strand, the complement: WHRN is on the minus strand). VCF-style: chr9-114466299-G-A. GRCh37 (hg19) VCF-style: chr9-117228579-G-A.
Other names: c.-219C>T (NM_001083885.3); c.931C>T, p.Pro311Ser (NM_001173425.2); short protein forms P311S.
Identifiers: ClinVar variation 1474954 (VCV001474954.8), dbSNP rs2132955094, ClinGen allele CA374619440.